The following is an entry in ClinVar:

NM_001349338.3(FOXP1):c.573dup (p.Gln192fs)

Gene: FOXP1 (forkhead box P1; minus strand). Cytogenetic location: 3p13.
Variant type: Duplication.
Coding change: c.573dup on transcript NM_001349338.3 (MANE Select); coding-DNA position 573, one base duplicated (A; older notation c.573dupA).
Protein change: p.Gln192fs; shifts the reading frame from glutamine 192.
Molecular consequence: frameshift variant. On other transcripts: non-coding transcript variant (2).
Genome position (GRCh38, 1-based): chr3:71,047,033, T duplicated on the plus strand (A on the coding strand, the reverse complement: FOXP1 is on the minus strand). VCF-style (leftmost placement, unchanged base first): chr3-71047032-G-GT. GRCh37 (hg19) VCF-style: chr3-71096183-G-GT.
Other names: c.573dup, p.Gln192fs (NM_001244808.3, NM_001244810.2, NM_001244814.3 and 3 more transcripts); c.345dup, p.Gln116fs (NM_001244812.3); c.273dup, p.Gln92fs (NM_001244813.3, NM_001244815.2, NM_001349342.3 and 1 more transcripts); c.270dup, p.Gln91fs (NM_001349337.2, NM_001349343.3, NM_001349344.3); c.573dup, p.Gln192Thrfs (NM_001349339.1); c.570dup, p.Gln191fs (NM_001349341.3); c.573dupA (NM_032682.5); short protein forms Q116fs, Q191fs, Q192fs, Q91fs, Q92fs.
Identifiers: ClinVar variation 1803026 (VCV001803026.2), dbSNP rs2545822994, ClinGen allele CA2577820260.
Genomic context (GRCh38, chr3:71,047,032, plus strand): 5'-GCTGCCCGGGCTGAATTGTCAGAAGGCCTTGGCGCTGCAAAGACAGGAGGTGCTGCTGCT[G>GT]TAACTGCTGCATCTGTAAAAGCTGCTGCTGAAAAGCCAACTGCTGGGTAGCCACCTGCTG-3'

ClinVar aggregate classification (germline): Pathogenic. Review status: criteria provided, multiple submitters, no conflicts (2 of 4 stars). 2 submissions from 2 submitters: Pathogenic (2). Last evaluated 2026-03-24.

Conditions:
Inborn genetic diseases. Identifiers: MedGen C0950123, MeSH D030342.
Intellectual disability-severe speech delay-mild dysmorphism syndrome (IDDLA). Also called: Mental retardation with language impairment and autistic features; FOXP1 Syndrome; Intellectual developmental disorder with language impairment AND with or without autistic features. Identifiers: Orphanet 391372, MedGen C4013764, MONDO:0013352, OMIM 613670.

Submissions (2):

Ambry Genetics
Classification: Pathogenic for Inborn genetic diseases. Last evaluated: 2026-03-24. Review status: criteria provided, single submitter. Criteria: Ambry Variant Classification Scheme 2023. Collection method: clinical testing. Allele origin: germline.
Comment: The c.573dupA (p.Q192Tfs*103) alteration, located in exon 10 (coding exon 5) of the FOXP1 gene, consists of a duplication of A at position 573, causing a translational frameshift with a predicted alternate stop codon after 103 amino acids. This variant is expected to result in loss of function by premature protein truncation or nonsense-mediated mRNA decay. This variant was not reported in population-based cohorts in the Genome Aggregation Database (gnomAD). This variant was determined to be de novo in at least one individual with features consistent with FOXP1-related neurodevelopmental disorder (Brea-Fern&aacute;ndez, 2022; Kim, 2022). Based on the available evidence, this alteration is classified as pathogenic.

Diagnostic Genetics, Severance Hospital, Yonsei University College of Medicine
Classification: Pathogenic for Intellectual disability-severe speech delay-mild dysmorphism syndrome. Last evaluated: 2022-02-03. Review status: criteria provided, single submitter. Criteria: ACMG Guidelines, 2015. Collection method: clinical testing. Allele origin: de novo. Affected: yes.

Literature cited by the submitters: PubMed 35322241 (cited by Ambry Genetics); PubMed 36619507 (cited by Ambry Genetics).